The following is an entry in ClinVar:

NM_000424.4(KRT5):c.434T>G (p.Val145Gly)

Gene: KRT5 (keratin 5; minus strand). Cytogenetic location: 12q13.13.
Variant type: single nucleotide variant.
Coding change: c.434T>G on transcript NM_000424.4 (MANE Select); coding-DNA position 434, T replaced by G.
Protein change: p.Val145Gly; replaces valine 145 with glycine.
Molecular consequence: missense variant.
Genome position (GRCh38, 1-based): chr12:52,519,863, A>C on the plus strand (T>G on the coding strand, the complement: KRT5 is on the minus strand). VCF-style: chr12-52519863-A-C. GRCh37 (hg19) VCF-style: chr12-52913647-A-C.
Other names: short protein forms V145G.
Identifiers: ClinVar variation 2631461 (VCV002631461.1), dbSNP rs1555156480, ClinGen allele CA384929257.

ClinVar aggregate classification (germline): Likely pathogenic (1 of 4 stars; one submission).

Conditions:
KRT5-related disorder. Also called: KRT5-related condition.

Submission:

PreventionGenetics, part of Exact Sciences
Classification: Likely pathogenic for KRT5-related condition. Last evaluated: 2023-08-10. Review status: criteria provided, single submitter. Criteria: ACMG Guidelines, 2015. Collection method: clinical testing. Allele origin: germline.
Comment: The KRT5 c.434T>G variant is predicted to result in the amino acid substitution p.Val145Gly. This variant was reported in a large family, segregating with epidermolysis bullosa simplex in five affected individuals (Kim et al 2017. PubMed ID: 28561874). In this large pedigree, a second variant (p.Gly94Ser) was found in cis on the same allele; however, this variant is common in gnomAD and considered to be likely benign. The c.434T>G (p.Val145Gly) variant detected in this patient has not been reported in a large population database, indicating it is rare. A different substitution affecting the same amino acid (p.Val145Asp) was reported in an individual with epidermolysis bullosa (Sathishkumar et al. 2016. PubMed ID: 26743602). Taken together, this variant is interpreted as likely pathogenic.